The following is an entry in ClinVar:

ClinVar aggregate classification (germline): Uncertain significance. Review status: criteria provided, multiple submitters, no conflicts (2 of 4 stars). 3 submissions from 3 submitters: Uncertain significance (3). Last evaluated 2023-12-14.

Conditions:
Nephronophthisis 14 (NPHP14). Identifiers: Orphanet 2318, MedGen C3539071, MONDO:0013916, OMIM 614844.

Allele frequency attached by ClinVar (database versions not stated): gnomAD 0.00001; ExAC 0.00002; gnomAD exomes 0.00002; TOPMed 0.00003; ESP Exome Variant Server 0.00008.
gnomAD v4.1: 14 of 1,613,978 alleles (0.00087%); highest among the groups gnomAD compares: Non-Finnish European, 0.0012%; no homozygotes.

Submissions (3):

Ambry Genetics
Classification: Uncertain significance. Last evaluated: 2023-12-14. Review status: criteria provided, single submitter. Criteria: Ambry Variant Classification Scheme 2023. Collection method: clinical testing. Allele origin: germline.

Blueprint Genetics
Classification: Uncertain significance. Last evaluated: 2023-12-04. Review status: criteria provided, single submitter. Criteria: ACMG Guidelines, 2015. Collection method: clinical testing. Allele origin: germline.

Labcorp Genetics (formerly Invitae), Labcorp
Classification: Uncertain significance for Nephronophthisis 14. Last evaluated: 2022-03-10. Review status: criteria provided, single submitter. Criteria: Invitae Variant Classification Sherloc (09022015). Collection method: clinical testing. Allele origin: germline.
Comment: This sequence change replaces glutamic acid, which is acidic and polar, with glycine, which is neutral and non-polar, at codon 793 of the ZNF423 protein (p.Glu793Gly). This variant is present in population databases (rs369122179, gnomAD 0.004%). This variant has not been reported in the literature in individuals affected with ZNF423-related conditions. ClinVar contains an entry for this variant (Variation ID: 935740). Algorithms developed to predict the effect of missense changes on protein structure and function (SIFT, PolyPhen-2, Align-GVGD) all suggest that this variant is likely to be disruptive. In summary, the available evidence is currently insufficient to determine the role of this variant in disease. Therefore, it has been classified as a Variant of Uncertain Significance.

NM_001379286.1(ZNF423):c.2402A>G (p.Glu801Gly)

Gene: ZNF423 (zinc finger protein 423; minus strand). Cytogenetic location: 16q12.1.
Variant type: single nucleotide variant.
Coding change: c.2402A>G on transcript NM_001379286.1 (MANE Select); coding-DNA position 2402, A replaced by G.
Protein change: p.Glu801Gly; replaces glutamic acid 801 with glycine.
Molecular consequence: missense variant.
Genome position (GRCh38, 1-based): chr16:49,636,774, T>C on the plus strand (A>G on the coding strand, the complement: ZNF423 is on the minus strand). VCF-style: chr16-49636774-T-C. GRCh37 (hg19) VCF-style: chr16-49670685-T-C.
Other names: c.2198A>G, p.Glu733Gly (NM_001271620.2); c.2027A>G, p.Glu676Gly (NM_001330533.2); c.2378A>G, p.Glu793Gly (NM_015069.5); c.2378A>G (NM_015069.2); short protein forms E733G, E676G, E793G, E801G.
Identifiers: ClinVar variation 935740 (VCV000935740.6), dbSNP rs369122179, ClinGen allele CA8046509.
Genomic context (GRCh38, chr16:49,636,774, plus strand): 5'-CTGCAGAACTTACAGTTATACTTCTTGCTGTGTGTGGTGATGTGGCACTGCAGCTCCACC[T>C]CGGTGCTGAAGGTCTCCCCACAGAAGATGCACTTGTGAGCCTTGGCCGGGTTGCCCAGGT-3'
Protein context (NP_001366215.1, residues 791-811): CIFCGETFST[Glu801Gly]VELQCHITTH